The following is an entry in ClinVar:

NM_182542.3(ERICH6B):c.354G>A (p.Lys118=)

Gene: ERICH6B (glutamate rich 6B; minus strand). Cytogenetic location: 13q14.13.
Variant type: single nucleotide variant.
Coding change: c.354G>A on transcript NM_182542.3 (MANE Select); coding-DNA position 354, G replaced by A.
Protein change: p.Lys118=; no amino-acid change (lysine 118 retained).
Molecular consequence: synonymous variant.
Genome position (GRCh38, 1-based): chr13:45,596,652, C>T on the plus strand (G>A on the coding strand, the complement: ERICH6B is on the minus strand). VCF-style: chr13-45596652-C-T. GRCh37 (hg19) VCF-style: chr13-46170787-C-T.
Identifiers: ClinVar variation 4534054 (VCV004534054.6).
Genomic context (GRCh38, chr13:45,596,652, plus strand): 5'-CTCTTCCTCCTCCAGATGCTCTTCCTTCCCCAGGTACTCTTCCTCCTCCAGATACCCTTC[C>T]TTCCCCAGATACTCTTCCTCTTCAATATACTCTTCCTCCTCCAGATACCCTGCCTTCTCC-3'
Protein context (NP_872348.2, residues 108-128): EYIEEEEYLG[Lys118=]EGYLEEEEYL

ClinVar aggregate classification (germline): Likely benign (1 of 4 stars; one submission).

Submission:

CeGaT Center for Human Genetics Tuebingen
Classification: Likely benign. Last evaluated: 2025-11-01. Review status: criteria provided, single submitter. Criteria: CeGaT Center For Human Genetics Tuebingen Variant Classification Criteria Version 2. Collection method: clinical testing. Allele origin: germline. Affected: yes. Observed: 1 variant allele.
Comment: ERICH6B: PM2:Supporting, BP4, BP7